The following is an entry in ClinVar:

ClinVar aggregate classification (germline): Uncertain significance (0 of 4 stars; one submission).

Conditions:
TBC1D1-related disorder. Also called: TBC1D1-related condition.

Submission:

PreventionGenetics, part of Exact Sciences
Classification: Uncertain significance for TBC1D1-related condition. Last evaluated: 2023-12-31. Review status: no assertion criteria provided. Collection method: clinical testing. Allele origin: germline.
Comment: The TBC1D1 c.983_984delAC variant is predicted to result in a frameshift and premature protein termination (p.His328Argfs*29). To our knowledge, this variant has not been reported in the literature or in a large population database, indicating this variant is rare. At this time, the clinical significance of this variant is uncertain due to the absence of conclusive functional and genetic evidence.

NM_001396959.1(TBC1D1):c.983_984del (p.His328fs)

Genes: TBC1D1 (TBC1 domain family member 1; plus strand), LOC126807034 (BRD4-independent group 4 enhancer GRCh37_chr4:38021983-38023182; plus strand). Cytogenetic location: 4p14.
Variant type: Microsatellite.
Coding change: c.983_984del on transcript NM_001396959.1 (MANE Select); coding-DNA positions 983 to 984, 2 bases deleted (AC; older notation c.983_984delAC).
Protein change: p.His328fs; shifts the reading frame from histidine 328.
Molecular consequence: frameshift variant.
Genome position (GRCh38, 1-based): chr4:38,020,601-38,020,602, AC deleted; deleting any 2 consecutive bases within chr4:38,020,599-38,020,602 gives the same sequence; the c. name uses the placement nearest the transcript's 3' end. VCF-style (leftmost placement, unchanged base first): chr4-38020598-GAC-G. GRCh37 (hg19) VCF-style: chr4-38022219-GAC-G.
Other names: c.983_984del, p.His328fs (NM_001253912.2, NM_015173.4); short protein forms H328fs.
Identifiers: ClinVar variation 3032499 (VCV003032499.2), dbSNP rs2476784503, ClinGen allele CA2670325831.